The following is an entry in ClinVar:

NM_019892.6(INPP5E):c.981C>T (p.Ala327=)

Gene: INPP5E (inositol polyphosphate-5-phosphatase E; minus strand). Cytogenetic location: 9q34.3.
Variant type: single nucleotide variant.
Coding change: c.981C>T on transcript NM_019892.6 (MANE Select); coding-DNA position 981, C replaced by T.
Protein change: p.Ala327=; no amino-acid change (alanine 327 retained).
Molecular consequence: synonymous variant.
Genome position (GRCh38, 1-based): chr9:136,434,090, G>A on the plus strand (C>T on the coding strand, the complement: INPP5E is on the minus strand). VCF-style: chr9-136434090-G-A. GRCh37 (hg19) VCF-style: chr9-139328542-G-A.
Other names: p.Ala327=; c.981C>T, p.Ala327= (NM_001318502.2).
Identifiers: ClinVar variation 129278 (VCV000129278.25), dbSNP rs35498378, ClinGen allele CA153179.

ClinVar aggregate classification (germline): Benign. Review status: criteria provided, multiple submitters, no conflicts (2 of 4 stars). 7 submissions from 7 submitters: Benign (6). 1 of the submissions does not count toward it. Last evaluated 2026-02-02.

Conditions:
Joubert syndrome 1 (JBTS1). Also called: Cerebellooculorenal syndrome 1; CEREBELLOPARENCHYMAL DISORDER IV. Identifiers: MedGen C4551568, MONDO:0008944, OMIM 213300.
Joubert syndrome. Also called: Familial aplasia of the vermis; JOUBERT-BOLTSHAUSER SYNDROME. Identifiers: Orphanet 475, MedGen C5979921, MONDO:0018772.

Allele frequency attached by ClinVar (database versions not stated): ExAC 0.01840; 1000 Genomes Project 0.03634; ESP Exome Variant Server 0.03772; gnomAD exomes 0.01340; 1000 Genomes Project 30x 0.03888; TOPMed 0.03818.

Submissions (7):

Labcorp Genetics (formerly Invitae), Labcorp
Classification: Benign for Joubert syndrome. Last evaluated: 2026-02-02. Review status: criteria provided, single submitter. Criteria: Invitae Variant Classification Sherloc (09022015). Collection method: clinical testing. Allele origin: germline.

Mayo Clinic Laboratories, Mayo Clinic
Classification: Benign. Last evaluated: 2023-04-03. Review status: criteria provided, single submitter. Criteria: ACMG Guidelines, 2015. Collection method: clinical testing. Allele origin: germline. Observed: 6 variant alleles.

Illumina Laboratory Services, Illumina
Classification: Benign for Joubert syndrome 1. Last evaluated: 2018-01-13. Review status: criteria provided, single submitter. Criteria: ICSL Variant Classification Criteria 13 December 2019. Collection method: clinical testing. Allele origin: germline.
Comment: This variant was observed in the ICSL laboratory as part of a predisposition screen in an ostensibly healthy population. It had not been previously curated by ICSL or reported in the Human Gene Mutation Database (HGMD: prior to June 1st, 2018), and was therefore a candidate for classification through an automated scoring system. Utilizing variant allele frequency, disease prevalence and penetrance estimates, and inheritance mode, an automated score was calculated to assess if this variant is too frequent to cause the disease. Based on the score and internal cut-off values, a variant classified as benign is not then subjected to further curation. The score for this variant resulted in a classification of benign for this disease.

GeneDx
Classification: Benign. Last evaluated: 2015-03-03. Review status: criteria provided, single submitter. Criteria: GeneDx Variant Classification Process June 2021. Collection method: clinical testing. Allele origin: germline. Affected: yes.

Breakthrough Genomics
Classification: Benign. Review status: criteria provided, single submitter. Criteria: ACMG Guidelines, 2015. Collection method: not provided. Allele origin: germline. Inheritance: Autosomal recessive inheritance. Affected: yes.

PreventionGenetics, part of Exact Sciences
Classification: Benign. Review status: criteria provided, single submitter. Criteria: ACMG Guidelines, 2015. Collection method: clinical testing. Allele origin: germline.

Genetic Services Laboratory, University of Chicago
Classification: Likely benign for AllHighlyPenetrant. Review status: no assertion criteria provided. Collection method: clinical testing. Allele origin: germline. Inheritance: Autosomal recessive inheritance. Not counted in ClinVar's aggregate classification.
Comment: Likely benign based on allele frequency in 1000 Genomes Project or ESP global frequency and its presence in a patient with a rare or unrelated disease phenotype. NOT Sanger confirmed.